The following is an entry in ClinVar:

NM_002016.2(FLG):c.11029_11030del (p.Gln3677fs)

Genes: CCDST (cervical cancer associated DHX9 suppressive transcript; plus strand), FLG (filaggrin; minus strand). Cytogenetic location: 1q21.3.
Variant type: Microsatellite.
Coding change: c.11029_11030del on transcript NM_002016.2 (MANE Select); coding-DNA positions 11029 to 11030, 2 bases deleted (CA; older notation c.11029_11030delCA).
Protein change: p.Gln3677fs; shifts the reading frame from glutamine 3677.
Molecular consequence: frameshift variant.
Genome position (GRCh38, 1-based): chr1:152,303,856-152,303,857, TG deleted on the plus strand (CA on the coding strand, the reverse complement: FLG is on the minus strand); deleting any 2 consecutive bases within chr1:152,303,856-152,303,862 gives the same sequence; the c. name uses the placement nearest the transcript's 3' end. VCF-style (leftmost placement, unchanged base first): chr1-152303855-CTG-C. GRCh37 (hg19) VCF-style: chr1-152276331-CTG-C.
Other names: c.11029_11030del (NM_002016.1); c.11024_11025AC[2], p.Gln3677Valfs (NM_002016.1); short protein forms Q3677fs.
Identifiers: ClinVar variation 4077375 (VCV004077375.1).

ClinVar aggregate classification (germline): Pathogenic (1 of 4 stars; one submission).

Submission:

GeneDx
Classification: Pathogenic. Last evaluated: 2025-02-26. Review status: criteria provided, single submitter. Criteria: GeneDx Variant Classification Process June 2021. Collection method: clinical testing. Allele origin: germline. Affected: yes.
Comment: Frameshift variant predicted to result in abnormal protein length as the last 385 amino acid(s) are replaced with 40 different amino acid(s), and other similar variants have been reported in HGMD; Not observed at significant frequency in large population cohorts (gnomAD); This variant is associated with the following publications: (PMID: 16444271, 17417636)